The following is an entry in ClinVar:

NM_152713.5(STT3A):c.1705A>T (p.Ile569Phe)

Gene: STT3A (STT3 oligosaccharyltransferase complex catalytic subunit A; plus strand). Cytogenetic location: 11q24.2.
Variant type: single nucleotide variant.
Coding change: c.1705A>T on transcript NM_152713.5 (MANE Select); coding-DNA position 1705, A replaced by T.
Protein change: p.Ile569Phe; replaces isoleucine 569 with phenylalanine.
Molecular consequence: missense variant.
Genome position (GRCh38, 1-based): chr11:125,614,357, A>T. VCF-style: chr11-125614357-A-T. GRCh37 (hg19) VCF-style: chr11-125484252-A-T.
Other names: c.1705A>T, p.Ile569Phe (NM_001278503.2); c.1429A>T, p.Ile477Phe (NM_001278504.2); short protein forms I477F, I569F.
Identifiers: ClinVar variation 3602990 (VCV003602990.1).

ClinVar aggregate classification (germline): Uncertain significance (1 of 4 stars; one submission).

Submission:

GeneDx
Classification: Uncertain significance. Last evaluated: 2023-05-23. Review status: criteria provided, single submitter. Criteria: GeneDx Variant Classification Process June 2021. Collection method: clinical testing. Allele origin: germline. Affected: yes.
Comment: Not observed at significant frequency in large population cohorts (gnomAD); In silico analysis supports that this missense variant has a deleterious effect on protein structure/function; Has not been previously published as pathogenic or benign to our knowledge; Variants in candidate genes are classified as variants of uncertain significance in accordance with ACMG guidelines (Richards et al., 2015)